The following is an entry in ClinVar:

NM_000199.5(SGSH):c.1069dup (p.Leu357fs)

Gene: SGSH (N-sulfoglucosamine sulfohydrolase; minus strand). Cytogenetic location: 17q25.3.
Variant type: Duplication.
Coding change: c.1069dup on transcript NM_000199.5 (MANE Select); coding-DNA position 1069, one base duplicated (C; older notation c.1069dupC).
Protein change: p.Leu357fs; shifts the reading frame from leucine 357.
Molecular consequence: frameshift variant. On other transcripts: 3 prime UTR variant (2), non-coding transcript variant (1).
Genome position (GRCh38, 1-based): chr17:80,210,892, G duplicated on the plus strand (C on the coding strand, the reverse complement: SGSH is on the minus strand); the first of 4 consecutive G bases (chr17:80,210,892-80,210,895); duplicating any one gives the same sequence. VCF-style (leftmost placement, unchanged base first): chr17-80210891-A-AG. GRCh37 (hg19) VCF-style: chr17-78184690-A-AG.
Other names: c.*156dup (NM_001352921.3); c.*119dup (NM_001352922.2); short protein forms L357fs.
Identifiers: ClinVar variation 2678729 (VCV002678729.2), dbSNP rs2510860730, ClinGen allele CA502404584.

ClinVar aggregate classification (germline): Pathogenic/Likely pathogenic. Review status: criteria provided, multiple submitters, no conflicts (2 of 4 stars). 2 submissions from 2 submitters: Pathogenic (1); Likely pathogenic (1). Last evaluated 2026-04-29.

Conditions:
Mucopolysaccharidosis, MPS-III-A (MPS3A). Also called: HEPARAN SULFATE SULFATASE DEFICIENCY; SANFILIPPO SYNDROME A; SULFAMIDASE DEFICIENCY; MPS III A; Mucopolysaccharidosis type IIIA (Sanfilippo A); MUCOPOLYSACCHARIDOSIS, TYPE IIIA, ATTENUATED. Identifiers: Orphanet 581, Orphanet 79269, MedGen C0086647, MONDO:0009655, OMIM 252900.

Submissions (2):

Myriad Genetics, Inc.
Classification: Pathogenic for Mucopolysaccharidosis, MPS-III-A. Last evaluated: 2026-04-29. Review status: criteria provided, single submitter. Criteria: Myriad Autosomal Dominant, Autosomal Recessive and X-Linked Classification Criteria (2023). Collection method: clinical testing. Allele origin: unknown.
Comment: NM_000199.3(SGSH):c.1069dupC(L357Pfs*145) is a frameshift variant classified as pathogenic in the context of mucopolysaccharidosis type IIIA. L357Pfs*145 has not been observed in cases with relevant disease. Relevant functional assessments of this variant are not available in the literature. L357Pfs*145 has not been observed in referenced population frequency databases. In summary, NM_000199.3(SGSH):c.1069dupC(L357Pfs*145) is a frameshift variant in a gene where loss of function is a known mechanism of disease and is predicted to disrupt protein function. Please note: this variant was assessed in the context of healthy population screening.

Baylor Genetics
Classification: Likely pathogenic for Mucopolysaccharidosis, MPS-III-A. Last evaluated: 2022-10-28. Review status: criteria provided, single submitter. Criteria: ACMG Guidelines, 2015. Collection method: clinical testing. Allele origin: unknown.